The following is an entry in ClinVar:

NM_004656.4(BAP1):c.119_120del (p.Gln40fs)

Gene: BAP1 (BRCA1 associated deubiquitinase 1; minus strand). Cytogenetic location: 3p21.1.
Variant type: Deletion.
Coding change: c.119_120del on transcript NM_004656.4 (MANE Select); coding-DNA positions 119 to 120, 2 bases deleted (AG; older notation c.119_120delAG).
Protein change: p.Gln40fs; shifts the reading frame from glutamine 40.
Molecular consequence: frameshift variant.
Genome position (GRCh38, 1-based): chr3:52,409,556-52,409,557, CT deleted on the plus strand (AG on the coding strand, the reverse complement: BAP1 is on the minus strand). VCF-style (leftmost placement, unchanged base first): chr3-52409555-CCT-C. GRCh37 (hg19) VCF-style: chr3-52443571-CCT-C.
Other names: short protein forms Q40fs.
Identifiers: ClinVar variation 1421770 (VCV001421770.6), dbSNP rs2153228507, ClinGen allele CA2573137303.
Genomic context (GRCh38, chr3:52,409,555, plus strand): 5'-TCTGGGACCTTCCCCAGCACTCTGGGTGTAAGGGGCAGCCCTGGTGTACAGCCACTCACC[CCT>C]GACATTTGCTCTGAAGGTCGTAGATCTCCTCCACTTGCACCCCCTTGACACCTGCGATGA-3'

ClinVar aggregate classification (germline): Pathogenic (1 of 4 stars; one submission).

Conditions:
BAP1-related tumor predisposition syndrome (TPDS1). Also called: Tumor susceptibility linked to germline BAP1 mutations; TUMOR PREDISPOSITION SYNDROME 1; BAP1 tumor predisposition syndrome; COMMON Syndrome. Identifiers: Orphanet 289539, MedGen C3280492, MONDO:0013692, OMIM 614327.

Submission:

Labcorp Genetics (formerly Invitae), Labcorp
Classification: Pathogenic for BAP1-related tumor predisposition syndrome. Last evaluated: 2023-04-07. Review status: criteria provided, single submitter. Criteria: Invitae Variant Classification Sherloc (09022015). Collection method: clinical testing. Allele origin: germline.
Comment: This variant has not been reported in the literature in individuals affected with BAP1-related conditions. This variant is not present in population databases (gnomAD no frequency). This sequence change creates a premature translational stop signal (p.Gln40Argfs*28) in the BAP1 gene. It is expected to result in an absent or disrupted protein product. Loss-of-function variants in BAP1 are known to be pathogenic (PMID: 21874000, 23684012). ClinVar contains an entry for this variant (Variation ID: 1421770). For these reasons, this variant has been classified as Pathogenic.

Literature cited by the submitters: PubMed 21874000; PubMed 23684012.